The following is an entry in ClinVar:

ClinVar aggregate classification (germline): Uncertain significance (1 of 4 stars; one submission).

Allele frequency attached by ClinVar (database versions not stated): TOPMed below 0.00001; ExAC 0.00001; gnomAD 0.00001; gnomAD exomes 0.00002.

Submission:

GeneDx
Classification: Uncertain significance. Last evaluated: 2017-06-22. Review status: criteria provided, single submitter. Criteria: GeneDx Variant Classification (06012015). Collection method: clinical testing. Allele origin: germline. Affected: yes.
Comment: The c.4958_4966dupCAGAGTCAG variant in the PCDH15 gene has not been reported previously as a pathogenic variant nor as a benign variant, to our knowledge. The c.4958_4966dupCAGAGTCAG variant causes an in frame duplication that results in the insertion of three amino acids: Alanine, Glutamic Acid, and Serine, denoted p.Ser1655_Glu1656insAES. The c.4958_4966dupCAGAGTCAG variant is not observed in large population cohorts (Lek et al., 2016; 1000 Genomes Consortium et al., 2015; Exome Variant Server). We interpret c.4958_4966dupCAGAGTCAG as a variant of uncertain significance.

NM_001384140.1(PCDH15):c.4671+1449_4671+1457dup

Gene: PCDH15 (protocadherin related 15; minus strand). Cytogenetic location: 10q21.1.
Variant type: Duplication.
Coding change: c.4671+1449_4671+1457dup on transcript NM_001384140.1 (MANE Select); bases 1449 to 1457 of the intron after coding-DNA position 4671, 9 bases duplicated (CAGAGTCAG; older notation c.4671+1449_4671+1457dupCAGAGTCAG).
Molecular consequence: intron variant. On other transcripts: inframe indel (1), 3 prime UTR variant (1), inframe insertion (1).
Genome position (GRCh38, 1-based): chr10:53,809,099-53,809,107, CTGACTCTG duplicated on the plus strand (CAGAGTCAG on the coding strand, the reverse complement: PCDH15 is on the minus strand). VCF-style (leftmost placement, unchanged base first): chr10-53809098-T-TCTGACTCTG. GRCh37 (hg19) VCF-style: chr10-55568858-T-TCTGACTCTG.
Other names: c.4958_4966dup, p.Ser1655_Glu1656insAlaGluSer (NM_001142769.4); c.*373_*381dup (NM_001142770.3); c.4937_4945dup, p.Ser1648_Glu1649insAlaGluSer (NM_001354411.2); c.4476+1449_4476+1457dup (NM_001354420.2); c.4605+1449_4605+1457dup (NM_001354429.2); c.4482+1449_4482+1457dup (NM_001142772.2); c.4497+1449_4497+1457dup (NM_001142771.2).
Identifiers: ClinVar variation 503759 (VCV000503759.1), dbSNP rs752753497, ClinGen allele CA5504761.
Genomic context (GRCh38, chr10:53,809,098, plus strand): 5'-ACCTCCTCAACCATGGGCCTTCTTCTTGCAAGCACAATGTTTTTCCTTGCTTTTTCTCCT[T>TCTGACTCTG]CTGACTCTGTGGATTCCGATTCTTCTGATTCAGGGGTGGAACTCTCCTCCTCCTCAGAGG-3'